The following is an entry in ClinVar:

NM_000085.5(CLCNKB):c.968+1G>A

Genes: CLCNKB (chloride voltage-gated channel Kb; plus strand), LOC106501713 (CLCNKB recombination region; plus strand). Cytogenetic location: 1p36.13.
Variant type: single nucleotide variant.
Coding change: c.968+1G>A on transcript NM_000085.5 (MANE Select); the canonical splice donor site of the intron after coding-DNA position 968, G replaced by A.
Molecular consequence: splice donor variant.
Genome position (GRCh38, 1-based): chr1:16,049,917, G>A. VCF-style: chr1-16049917-G-A. GRCh37 (hg19) VCF-style: chr1-16376412-G-A.
Other names: NC_000001.10:g.16376412G>A; c.461+1G>A (NM_001165945.2).
Identifiers: ClinVar variation 1285112 (VCV001285112.12), dbSNP rs201204502, ClinGen allele CA623602.

ClinVar aggregate classification (germline): Pathogenic/Likely pathogenic. Review status: criteria provided, multiple submitters, no conflicts (2 of 4 stars). 10 submissions from 10 submitters: Pathogenic (5); Likely pathogenic (2). 3 of the submissions do not count toward it. Last evaluated 2025-12-11.

Conditions:
Autosomal recessive CLCNKB-related disorders.
CLCNKB-related disorders.
Bartter disease type 3. Also called: Bartter syndrome type 3. Identifiers: Orphanet 112, Orphanet 93605, MedGen C1846343, MONDO:0011822, OMIM 607364.
Bartter disease type 4B. Also called: BARTTER SYNDROME, TYPE 4B; BARTTER SYNDROME, TYPE 4B, NEONATAL, WITH SENSORINEURAL DEAFNESS; Bartter syndrome, type 4b, digenic. Identifiers: Orphanet 112, MedGen C4310805, MONDO:0000909, OMIM 613090.

Allele frequency attached by ClinVar (database versions not stated): gnomAD 0.00003; ExAC 0.00004; TOPMed 0.00004; gnomAD exomes 0.00006; ESP Exome Variant Server 0.00008.
gnomAD v4.1: 112 of 1,588,386 alleles (0.0071%); highest among the groups gnomAD compares: Non-Finnish European, 0.0093%; no homozygotes.

Submissions (11):

Variantyx, Inc.
Classification: Pathogenic for Autosomal recessive CLCNKB-related disorders. Last evaluated: 2025-12-11. Review status: criteria provided, single submitter. Criteria: Variantyx Assertion Criteria 2022. Collection method: clinical testing. Allele origin: germline. Inheritance: Autosomal recessive inheritance.
Comment: This is a canonical splicing variant in the CLCNKB gene (OMIM: 602023). Pathogenic variants in this gene have been associated with autosomal recessive CLCNKB-related disorders. This splicing variant is expected to result in loss of function, which is a known disease mechanism for CLCNKB in this disorder (PMID:9326936, 11102542, 11445802)(PVS1). Ithas been identified in the homozygous or compound heterozygous state in at least one individual reported in the published literature (PMID:29942493) (PM3) and has a 0.0093% maximum allele frequency in non-founder control populations (PM2). Based on the current evidence, this variant is classified as pathogenic for autosomal recessive CLCNKB-related disorders.

GeneDx
Classification: Likely pathogenic. Last evaluated: 2025-10-04. Review status: criteria provided, single submitter. Criteria: GeneDx Variant Classification Process June 2021. Collection method: clinical testing. Allele origin: germline. Affected: yes.
Comment: Canonical splice site variant predicted to result in an in-frame loss of the adjacent exon in a gene for which loss of function is a known mechanism of disease; This variant is associated with the following publications: (PMID: 29942493, 29897170, 23164417, Mabillard2016[Article])

Centre for Clinical Genetics and Genomic Diagnostics, Zealand University Hospital
Classification: Pathogenic. Last evaluated: 2025-05-14. Review status: criteria provided, single submitter. Criteria: ACMG Guidelines, 2015. Collection method: clinical testing. Allele origin: germline. Affected: yes.

Genetic Services Laboratory, University of Chicago
Classification: Pathogenic. Last evaluated: 2024-12-18. Review status: criteria provided, single submitter. Criteria: ACMG Guidelines, 2015. Collection method: clinical testing. Allele origin: germline. Affected: yes.
Comment: The c.968+1G>A variant: o;Is in the canonical splice donor site of intron 10. Has been previously described in the homozygous or compound heterozygous state in several individuals and families with CLCNKB-related Barrter syndrome (PMIDs: 23164417, 9326936). Has been described in the gnomAD database with a frequency of 0.013% in the Non-Finnish European subpopulation (dbSNP rs201204502). Is predicted to affect normal splicing of the CLCNKB gene, and is predicted to result in an abnormal transcript, which may be degraded, or may lead to the production of a truncated CLCNKB protein with potentially abnormal function. ClinVar contains an entry for this variant (Variation ID: 1285112). Collectively, this evidence indicates that this sequence change is pathogenic.

MVZ Medizinische Genetik Mainz
Classification: Pathogenic for Bartter disease type 3. Last evaluated: 2024-09-24. Review status: criteria provided, single submitter. Criteria: UK Practice Guidelines For Variant Classification V4 01 2020. Collection method: clinical testing. Allele origin: germline. Inheritance: Autosomal recessive inheritance. Affected: yes. Observed: 1 variant allele.
Comment: ACMG Criteria: PVS1,PM3_STR,PS1_SUP,PM2_SUP,PP4; Compound Heterozygote

Fulgent Genetics
Classification: Likely pathogenic for Bartter disease type 3; Bartter disease type 4B. Last evaluated: 2024-04-29. Review status: criteria provided, single submitter. Criteria: ACMG Guidelines, 2015. Collection method: clinical testing. Allele origin: germline.

Blueprint Genetics
Classification: Pathogenic for CLCNKB-related disorders. Last evaluated: 2020-07-06. Review status: criteria provided, single submitter. Criteria: ACMG Guidelines, 2015. Collection method: clinical testing. Allele origin: germline. Affected: yes. Observed: 3 variant alleles.

Clinical Genetics DNA and cytogenetics Diagnostics Lab, Erasmus MC, Erasmus Medical Center
Classification: Likely pathogenic. Review status: no assertion criteria provided. Collection method: clinical testing. Allele origin: germline. Affected: yes. Study: VKGL Data-share Consensus. Not counted in ClinVar's aggregate classification.

Dr. Peter K. Rogan Lab, Western University
No classification provided (evidence only). Condition: Nonpapillary renal cell carcinoma. Review status: no classification provided. Collection method: in vitro. Allele origin: not applicable. Functional consequence: skipped exon, retained intron. Not counted in ClinVar's aggregate classification.

Genome Diagnostics Laboratory, University Medical Center Utrecht
Classification: Pathogenic. Review status: no assertion criteria provided. Collection method: clinical testing. Allele origin: germline. Affected: yes. Study: VKGL Data-share Consensus. Not counted in ClinVar's aggregate classification.

Joint Genome Diagnostic Labs from Nijmegen and Maastricht, Radboudumc and MUMC+
Classification: Pathogenic. Review status: no assertion criteria provided. Collection method: clinical testing. Allele origin: germline. Affected: yes. Study: VKGL Data-share Consensus. Not counted in ClinVar's aggregate classification.

Literature cited by the submitters: PubMed 9326936 (cited by Variantyx, Inc.); PubMed 11102542 (cited by Variantyx, Inc.); PubMed 11445802 (cited by Variantyx, Inc.); PubMed 29942493 (cited by Variantyx, Inc.).